The following is an entry in ClinVar:

ClinVar aggregate classification (germline): Uncertain significance (1 of 4 stars; one submission).

gnomAD v4.1: 1 of 1,613,814 alleles (0.000062%); highest among the groups gnomAD compares: Admixed American, 0.0017%; no homozygotes.

Submission:

Labcorp Genetics (formerly Invitae), Labcorp
Classification: Uncertain significance. Last evaluated: 2022-07-26. Review status: criteria provided, single submitter. Criteria: Invitae Variant Classification Sherloc (09022015). Collection method: clinical testing. Allele origin: germline.
Comment: This sequence change replaces threonine, which is neutral and polar, with lysine, which is basic and polar, at codon 131 of the RBP4 protein (p.Thr131Lys). This variant is present in population databases (no rsID available, gnomAD 0.003%). This variant has not been reported in the literature in individuals affected with RBP4-related conditions. ClinVar contains an entry for this variant (Variation ID: 942636). Algorithms developed to predict the effect of missense changes on protein structure and function are either unavailable or do not agree on the potential impact of this missense change (SIFT: "Deleterious"; PolyPhen-2: "Possibly Damaging"; Align-GVGD: "Class C0"). In summary, the available evidence is currently insufficient to determine the role of this variant in disease. Therefore, it has been classified as a Variant of Uncertain Significance.

NM_006744.4(RBP4):c.392C>A (p.Thr131Lys)

Gene: RBP4 (retinol binding protein 4; minus strand). Cytogenetic location: 10q23.33.
Variant type: single nucleotide variant.
Coding change: c.392C>A on transcript NM_006744.4 (MANE Select); coding-DNA position 392, C replaced by A.
Protein change: p.Thr131Lys; replaces threonine 131 with lysine.
Molecular consequence: missense variant.
Genome position (GRCh38, 1-based): chr10:93,593,999, G>T on the plus strand (C>A on the coding strand, the complement: RBP4 is on the minus strand). VCF-style: chr10-93593999-G-T. GRCh37 (hg19) VCF-style: chr10-95353756-G-T.
Other names: c.392C>A, p.Thr131Lys (NM_001323517.1); c.386C>A, p.Thr129Lys (NM_001323518.2); short protein forms T131K, T129K.
Identifiers: ClinVar variation 942636 (VCV000942636.9), dbSNP rs577540732, ClinGen allele CA377615874.
Genomic context (GRCh38, chr10:93,593,999, plus strand): 5'-TAGCTGTCAGCACAGGTGCCATCGAGGTTCAGGAGGCGGCAGGAGTACTGCACGGCATAC[G>T]TGTCGTAGTCTGTGTCGACGATCCAGTGGTCATCATCTGCAAGCCAGAAAGCCACCATGC-3'
Protein context (NP_006735.2, residues 121-141): DHWIVDTDYD[Thr131Lys]YAVQYSCRLL